The following is an entry in ClinVar:

ClinVar aggregate classification (germline): Uncertain significance (1 of 4 stars; one submission).

Allele frequency attached by ClinVar (database versions not stated): gnomAD exomes 0.00010; gnomAD 0.00011; TOPMed 0.00011; ExAC 0.00013; ESP Exome Variant Server 0.00015.
gnomAD v4.1: 458 of 1,613,900 alleles (0.028%); highest among the groups gnomAD compares: Non-Finnish European, 0.037%; no homozygotes.

Submission:

Labcorp Genetics (formerly Invitae), Labcorp
Classification: Uncertain significance. Last evaluated: 2021-09-15. Review status: criteria provided, single submitter. Criteria: Invitae Variant Classification Sherloc (09022015). Collection method: clinical testing. Allele origin: germline.
Comment: This sequence change replaces aspartic acid with asparagine at codon 142 of the KRT14 protein (p.Asp142Asn). The aspartic acid residue is highly conserved and there is a small physicochemical difference between aspartic acid and asparagine. This variant is present in population databases (rs146142399, ExAC 0.02%). This variant has not been reported in the literature in individuals affected with KRT14-related conditions. Algorithms developed to predict the effect of missense changes on protein structure and function are either unavailable or do not agree on the potential impact of this missense change (SIFT: "Deleterious"; PolyPhen-2: "Benign"; Align-GVGD: "Class C0"). In summary, the available evidence is currently insufficient to determine the role of this variant in disease. Therefore, it has been classified as a Variant of Uncertain Significance.

NM_000526.5(KRT14):c.424G>A (p.Asp142Asn)

Gene: KRT14 (keratin 14; minus strand). Cytogenetic location: 17q21.2.
Variant type: single nucleotide variant.
Coding change: c.424G>A on transcript NM_000526.5 (MANE Select); coding-DNA position 424, G replaced by A.
Protein change: p.Asp142Asn; replaces aspartic acid 142 with asparagine.
Molecular consequence: missense variant.
Genome position (GRCh38, 1-based): chr17:41,586,411, C>T on the plus strand (G>A on the coding strand, the complement: KRT14 is on the minus strand). VCF-style: chr17-41586411-C-T. GRCh37 (hg19) VCF-style: chr17-39742663-C-T.
Other names: short protein forms D142N.
Identifiers: ClinVar variation 1436350 (VCV001436350.6), dbSNP rs146142399, ClinGen allele CA8562722.